The following is an entry in ClinVar:

ClinVar aggregate classification (germline): Uncertain significance (1 of 4 stars; one submission).

Conditions:
PCNT-related disorder. Also called: PCNT-related condition.

gnomAD v4.1: 13 of 1,573,182 alleles (0.00083%); highest among the groups gnomAD compares: Non-Finnish European, 0.0011%; no homozygotes.

Submission:

PreventionGenetics, part of Exact Sciences
Classification: Uncertain significance for PCNT-related condition. Last evaluated: 2025-05-08. Review status: criteria provided, single submitter. Criteria: ACMG Guidelines, 2015. Collection method: clinical testing. Allele origin: germline.
Comment: The PCNT c.5809C>T variant is predicted to result in the amino acid substitution p.His1937Tyr. To our knowledge, this variant has not been reported in the literature or in a large population database (gnomAD), indicating this variant is rare. At this time, the clinical significance of this variant is uncertain due to the absence of conclusive functional and genetic evidence.

NM_006031.6(PCNT):c.5809C>T (p.His1937Tyr)

Gene: PCNT (pericentrin; plus strand). Cytogenetic location: 21q22.3.
Variant type: single nucleotide variant.
Coding change: c.5809C>T on transcript NM_006031.6 (MANE Select); coding-DNA position 5809, C replaced by T.
Protein change: p.His1937Tyr; replaces histidine 1937 with tyrosine.
Molecular consequence: missense variant.
Genome position (GRCh38, 1-based): chr21:46,411,882, C>T. VCF-style: chr21-46411882-C-T. GRCh37 (hg19) VCF-style: chr21-47831796-C-T.
Other names: c.5455C>T, p.His1819Tyr (NM_001315529.2); short protein forms H1937Y, H1819Y.
Identifiers: ClinVar variation 4986528 (VCV004986528.1).